The following is an entry in ClinVar:

NM_001085411.3(NADK2):c.386T>C (p.Leu129Ser)

Gene: NADK2 (NAD kinase 2, mitochondrial; minus strand). Cytogenetic location: 5p13.2.
Variant type: single nucleotide variant.
Coding change: c.386T>C on transcript NM_001085411.3 (MANE Select); coding-DNA position 386, T replaced by C.
Protein change: p.Leu129Ser; replaces leucine 129 with serine.
Molecular consequence: missense variant. On other transcripts: 5 prime UTR variant (3).
Genome position (GRCh38, 1-based): chr5:36,227,480, A>G on the plus strand (T>C on the coding strand, the complement: NADK2 is on the minus strand). VCF-style: chr5-36227480-A-G. GRCh37 (hg19) VCF-style: chr5-36227582-A-G.
Other names: c.-104T>C (NM_001287340.2, NM_001287341.2, NM_153013.5); short protein forms L129S.
Identifiers: ClinVar variation 1369999 (VCV001369999.8), dbSNP rs1393133073, ClinGen allele CA359444618.

ClinVar aggregate classification (germline): Uncertain significance (1 of 4 stars; one submission).

Conditions:
Progressive encephalopathy with leukodystrophy due to DECR deficiency. Identifiers: Orphanet 431361, MedGen C1857252, MONDO:0014464, OMIM 616034.

Allele frequency attached by ClinVar (database versions not stated): TOPMed below 0.00001; gnomAD 0.00001.

Submission:

Labcorp Genetics (formerly Invitae), Labcorp
Classification: Uncertain significance for Progressive encephalopathy with leukodystrophy due to DECR deficiency. Last evaluated: 2021-12-02. Review status: criteria provided, single submitter. Criteria: Invitae Variant Classification Sherloc (09022015). Collection method: clinical testing. Allele origin: germline.
Comment: In summary, the available evidence is currently insufficient to determine the role of this variant in disease. Therefore, it has been classified as a Variant of Uncertain Significance. Algorithms developed to predict the effect of missense changes on protein structure and function are either unavailable or do not agree on the potential impact of this missense change (SIFT: "Tolerated"; PolyPhen-2: "Probably Damaging"; Align-GVGD: "Class C0"). This variant has not been reported in the literature in individuals affected with NADK2-related conditions. This variant is not present in population databases (gnomAD no frequency). This sequence change replaces leucine, which is neutral and non-polar, with serine, which is neutral and polar, at codon 129 of the NADK2 protein (p.Leu129Ser).